The following is an entry in ClinVar:

ClinVar aggregate classification (germline): not provided (0 of 4 stars; one submission).

Conditions:
Familial cold autoinflammatory syndrome 1 (FCAS1). Also called: CRYOPYRIN-ASSOCIATED PERIODIC SYNDROME 1; Familial cold inflammatory syndrome 1. Identifiers: Orphanet 47045, MedGen C4551895, MONDO:0007349, OMIM 120100.

Submission:

Unité médicale des maladies autoinflammatoires, CHRU Montpellier
No classification provided. Condition: Familial cold urticaria. Review status: no classification provided. Collection method: not provided. Allele origin: unknown.
Comment: also involved in OMIM 191900 and 607115

NM_001243133.2(NLRP3):c.993C>A (p.Ser331Arg)

Gene: NLRP3 (NLR family pyrin domain containing 3; plus strand). Cytogenetic location: 1q44.
Variant type: single nucleotide variant.
Coding change: c.993C>A on transcript NM_001243133.2 (MANE Select); coding-DNA position 993, C replaced by A.
Protein change: p.Ser331Arg; replaces serine 331 with arginine.
Molecular consequence: missense variant.
Genome position (GRCh38, 1-based): chr1:247,424,442, C>A. VCF-style: chr1-247424442-C-A. GRCh37 (hg19) VCF-style: chr1-247587744-C-A.
Other names: c.993C>A, p.Ser331Arg (NM_001079821.3, NM_001127461.3, NM_001127462.3 and 1 more transcripts); c.999C>A, p.Ser333Arg (NM_004895.5); short protein forms S333R, S331R.
Identifiers: ClinVar variation 97993 (VCV000097993.1), dbSNP rs180177451, ClinGen allele CA281447.